The following is an entry in ClinVar:

ClinVar aggregate classification (germline): Uncertain significance (0 of 4 stars; one submission).

Conditions:
KCNA5-related disorder. Also called: KCNA5-related condition.

gnomAD v4.1: 3 of 1,614,216 alleles (0.00019%); highest among the groups gnomAD compares: Non-Finnish European, 0.000085%; no homozygotes.

Submission:

PreventionGenetics, part of Exact Sciences
Classification: Uncertain significance for KCNA5-related condition. Last evaluated: 2024-09-25. Review status: no assertion criteria provided. Collection method: clinical testing. Allele origin: germline.
Comment: The KCNA5 c.1432A>G variant is predicted to result in the amino acid substitution p.Met478Val. To our knowledge, this variant has not been reported in the literature or in a large population database, indicating this variant is rare. At this time, the clinical significance of this variant is uncertain due to the absence of conclusive functional and genetic evidence.

NM_002234.4(KCNA5):c.1432A>G (p.Met478Val)

Gene: KCNA5 (potassium voltage-gated channel subfamily A member 5; plus strand). Cytogenetic location: 12p13.32.
Variant type: single nucleotide variant.
Coding change: c.1432A>G on transcript NM_002234.4 (MANE Select); coding-DNA position 1432, A replaced by G.
Protein change: p.Met478Val; replaces methionine 478 with valine.
Molecular consequence: missense variant.
Genome position (GRCh38, 1-based): chr12:5,045,579, A>G. VCF-style: chr12-5045579-A-G. GRCh37 (hg19) VCF-style: chr12-5154745-A-G.
Other names: short protein forms M478V.
Identifiers: ClinVar variation 3350399 (VCV003350399.1).